The following is an entry in ClinVar:

NM_001080517.3(SETD5):c.3041del (p.Leu1014fs)

Gene: SETD5 (SET domain containing 5; plus strand). Cytogenetic location: 3p25.3.
Variant type: Deletion.
Coding change: c.3041del on transcript NM_001080517.3 (MANE Select); coding-DNA position 3041, one base deleted (T; older notation c.3041delT).
Protein change: p.Leu1014fs; shifts the reading frame from leucine 1014.
Molecular consequence: frameshift variant.
Genome position (GRCh38, 1-based): chr3:9,470,775, T deleted; the last of 3 consecutive T bases (chr3:9,470,773-9,470,775); deleting any one gives the same sequence. VCF-style (leftmost placement, unchanged base first): chr3-9470772-AT-A. GRCh37 (hg19) VCF-style: chr3-9512456-AT-A.
Other names: c.2747del, p.Leu916fs (NM_001292043.2, NM_001349451.2); short protein forms L1014fs, L916fs.
Identifiers: ClinVar variation 2861801 (VCV002861801.3), dbSNP rs2473810642, ClinGen allele CA2739278338.

ClinVar aggregate classification (germline): Pathogenic (1 of 4 stars; one submission).

Submission:

Labcorp Genetics (formerly Invitae), Labcorp
Classification: Pathogenic. Last evaluated: 2025-01-06. Review status: criteria provided, single submitter. Criteria: Invitae Variant Classification Sherloc (09022015). Collection method: clinical testing. Allele origin: germline.
Comment: This sequence change creates a premature translational stop signal (p.Leu1014Trpfs*20) in the SETD5 gene. It is expected to result in an absent or disrupted protein product. Loss-of-function variants in SETD5 are known to be pathogenic (PMID: 24680889). This variant is not present in population databases (gnomAD no frequency). This variant has not been reported in the literature in individuals affected with SETD5-related conditions. ClinVar contains an entry for this variant (Variation ID: 2861801). For these reasons, this variant has been classified as Pathogenic.

Literature cited by the submitters: PubMed 24680889.